The following is an entry in ClinVar:

ClinVar aggregate classification (germline): Uncertain significance (1 of 4 stars; one submission).

Allele frequency attached by ClinVar (database versions not stated): TOPMed below 0.00001.

Submission:

Labcorp Genetics (formerly Invitae), Labcorp
Classification: Uncertain significance. Last evaluated: 2023-04-05. Review status: criteria provided, single submitter. Criteria: Invitae Variant Classification Sherloc (09022015). Collection method: clinical testing. Allele origin: germline.
Comment: This variant is not present in population databases (gnomAD no frequency). This sequence change replaces glycine, which is neutral and non-polar, with alanine, which is neutral and non-polar, at codon 159 of the NR2E3 protein (p.Gly159Ala). This variant has not been reported in the literature in individuals affected with NR2E3-related conditions. In summary, the available evidence is currently insufficient to determine the role of this variant in disease. Therefore, it has been classified as a Variant of Uncertain Significance. Advanced modeling of protein sequence and biophysical properties (such as structural, functional, and spatial information, amino acid conservation, physicochemical variation, residue mobility, and thermodynamic stability) performed at Invitae indicates that this missense variant is not expected to disrupt NR2E3 protein function. ClinVar contains an entry for this variant (Variation ID: 964892).

NM_014249.4(NR2E3):c.476G>C (p.Gly159Ala)

Gene: NR2E3 (nuclear receptor subfamily 2 group E member 3; plus strand). Cytogenetic location: 15q23.
Variant type: single nucleotide variant.
Coding change: c.476G>C on transcript NM_014249.4 (MANE Select); coding-DNA position 476, G replaced by C.
Protein change: p.Gly159Ala; replaces glycine 159 with alanine.
Molecular consequence: missense variant.
Genome position (GRCh38, 1-based): chr15:71,812,081, G>C. VCF-style: chr15-71812081-G-C. GRCh37 (hg19) VCF-style: chr15-72104421-G-C.
Other names: c.476G>C, p.Gly159Ala (NM_016346.4); short protein forms G159A.
Identifiers: ClinVar variation 964892 (VCV000964892.9), dbSNP rs916679051, ClinGen allele CA393034633.